The following is an entry in ClinVar:

NM_001127178.3(PIGG):c.2596G>A (p.Val866Met)

Gene: PIGG (phosphatidylinositol glycan anchor biosynthesis class G (EMM blood group); plus strand). Cytogenetic location: 4p16.3.
Variant type: single nucleotide variant.
Coding change: c.2596G>A on transcript NM_001127178.3 (MANE Select); coding-DNA position 2596, G replaced by A.
Protein change: p.Val866Met; replaces valine 866 with methionine.
Molecular consequence: missense variant. On other transcripts: non-coding transcript variant (10).
Genome position (GRCh38, 1-based): chr4:533,842, G>A. VCF-style: chr4-533842-G-A. GRCh37 (hg19) VCF-style: chr4-527631-G-A.
Other names: c.2329G>A, p.Val777Met (NM_001289051.2, NM_001345986.2); c.2197G>A, p.Val733Met (NM_001289052.2); c.2305G>A, p.Val769Met (NM_001345987.2); c.1567G>A, p.Val523Met (NM_001345988.2); c.1063G>A, p.Val355Met (NM_001345990.2, NM_001345991.2); c.1498G>A, p.Val500Met (NM_001345994.2); c.2572G>A, p.Val858Met (NM_017733.5); short protein forms V858M, V500M, V523M, V355M, V769M, V777M, V866M, V733M.
Identifiers: ClinVar variation 4779707 (VCV004779707.1).

ClinVar aggregate classification (germline): Uncertain significance (1 of 4 stars; one submission).

Conditions:
Intellectual disability, autosomal recessive 53 (NEDHSCA). Also called: GLYCOSYLPHOSPHATIDYLINOSITOL BIOSYNTHESIS DEFECT 13; Mental retardation, autosomal recessive 53; NEURODEVELOPMENTAL DISORDER WITH OR WITHOUT HYPOTONIA, SEIZURES, AND CEREBELLAR ATROPHY. Identifiers: Orphanet 488635, MedGen C4310794, MONDO:0014832, OMIM 616917.

Submission:

Labcorp Genetics (formerly Invitae), Labcorp
Classification: Uncertain significance for Intellectual disability, autosomal recessive 53. Last evaluated: 2025-10-07. Review status: criteria provided, single submitter. Criteria: Invitae Variant Classification Sherloc (09022015). Collection method: clinical testing. Allele origin: germline.
Comment: This sequence change replaces valine, which is neutral and non-polar, with methionine, which is neutral and non-polar, at codon 866 of the PIGG protein (p.Val866Met). This variant is present in population databases (rs140960241, gnomAD 0.006%). This variant has not been reported in the literature in individuals affected with PIGG-related conditions. Invitae Evidence Modeling of protein sequence and biophysical properties (such as structural, functional, and spatial information, amino acid conservation, physicochemical variation, residue mobility, and thermodynamic stability) indicates that this missense variant is expected to disrupt PIGG protein function with a positive predictive value of 80%. In summary, the available evidence is currently insufficient to determine the role of this variant in disease. Therefore, it has been classified as a Variant of Uncertain Significance.